The following is an entry in ClinVar:

NM_001252024.2(TRPM1):c.790+6T>G

Gene: TRPM1 (transient receptor potential cation channel subfamily M member 1; minus strand). Cytogenetic location: 15q13.3.
Variant type: single nucleotide variant.
Coding change: c.790+6T>G on transcript NM_001252024.2 (MANE Select); 6 bases into the intron after coding-DNA position 790, T replaced by G.
Molecular consequence: intron variant.
Genome position (GRCh38, 1-based): chr15:31,066,070, A>C on the plus strand (T>G on the coding strand, the complement: TRPM1 is on the minus strand). VCF-style: chr15-31066070-A-C. GRCh37 (hg19) VCF-style: chr15-31358273-A-C.
Other names: c.841+6T>G (NM_001252020.2); c.724+6T>G (NM_002420.6).
Identifiers: ClinVar variation 2117901 (VCV002117901.4), dbSNP rs2504209974, ClinGen allele CA2580089205.

ClinVar aggregate classification (germline): Uncertain significance (1 of 4 stars; one submission).

Submission:

Labcorp Genetics (formerly Invitae), Labcorp
Classification: Uncertain significance. Last evaluated: 2022-03-26. Review status: criteria provided, single submitter. Criteria: Invitae Variant Classification Sherloc (09022015). Collection method: clinical testing. Allele origin: germline.
Comment: This variant has not been reported in the literature in individuals affected with TRPM1-related conditions. In summary, the available evidence is currently insufficient to determine the role of this variant in disease. Therefore, it has been classified as a Variant of Uncertain Significance. Variants that disrupt the consensus splice site are a relatively common cause of aberrant splicing (PMID: 17576681, 9536098). Algorithms developed to predict the effect of sequence changes on RNA splicing suggest that this variant is not likely to affect RNA splicing. This variant is not present in population databases (gnomAD no frequency). This sequence change falls in intron 6 of the TRPM1 gene. It does not directly change the encoded amino acid sequence of the TRPM1 protein. It affects a nucleotide within the consensus splice site.

Literature cited by the submitters: PubMed 17576681; PubMed 9536098.